The following is an entry in ClinVar:

NM_001303052.2(MYT1L):c.1-9_1-6del

Gene: MYT1L (myelin transcription factor 1 like; minus strand). Cytogenetic location: 2p25.3.
Variant type: Deletion.
Coding change: c.1-9_1-6del on transcript NM_001303052.2 (MANE Select); 9 bases into the intron before coding-DNA position 1 through 6 bases into the intron before coding-DNA position 1, 4 bases deleted (TATC; older notation c.1-9_1-6delTATC).
Molecular consequence: intron variant.
Genome position (GRCh38, 1-based): chr2:1,979,783-1,979,786, GATA deleted on the plus strand (TATC on the coding strand, the reverse complement: MYT1L is on the minus strand); deleting any 4 consecutive bases within chr2:1,979,783-1,979,789 gives the same sequence; the c. name uses the placement nearest the transcript's 3' end. VCF-style (leftmost placement, unchanged base first): chr2-1979782-GGATA-G. GRCh37 (hg19) VCF-style: chr2-1983554-GGATA-G.
Other names: c.1-9_1-6del (NM_015025.4, NM_001329844.2, NM_001329847.2 and 6 more transcripts).
Identifiers: ClinVar variation 3360429 (VCV003360429.1).

ClinVar aggregate classification (germline): Uncertain significance (1 of 4 stars; one submission).

Submission:

GeneDx
Classification: Uncertain significance. Last evaluated: 2023-06-26. Review status: criteria provided, single submitter. Criteria: GeneDx Variant Classification Process June 2021. Collection method: clinical testing. Allele origin: germline. Affected: yes.
Comment: Not observed at significant frequency in large population cohorts (gnomAD); Has not been previously published as pathogenic or benign to our knowledge; In silico analysis is inconclusive as to whether the variant alters gene splicing; in the absence of RNA/functional studies the actual effect of this sequence change is unknown